The following is an entry in ClinVar:

ClinVar aggregate classification (germline): Uncertain significance. Review status: criteria provided, multiple submitters, no conflicts (2 of 4 stars). 2 submissions from 2 submitters: Uncertain significance (2). Last evaluated 2026-04-03.

Conditions:
PLXNA2-related disorder. Also called: PLXNA2-related condition.

Allele frequency attached by ClinVar (database versions not stated): gnomAD exomes 0.00001; TOPMed 0.00004; gnomAD 0.00005.

Submissions (2):

PreventionGenetics, part of Exact Sciences
Classification: Uncertain significance for PLXNA2-related condition. Last evaluated: 2026-04-03. Review status: criteria provided, single submitter. Criteria: ACMG Guidelines, 2015. Collection method: clinical testing. Allele origin: germline.
Comment: The PLXNA2 c.602G>A variant is predicted to result in the amino acid substitution p.Arg201Gln. To our knowledge, this variant has not been reported in the literature. This variant is reported in 0.012% of alleles in individuals of African descent in gnomAD. At this time, the clinical significance of this variant is uncertain due to the absence of conclusive functional and genetic evidence.

Ambry Genetics
Classification: Uncertain significance. Last evaluated: 2024-01-17. Review status: criteria provided, single submitter. Criteria: Ambry Variant Classification Scheme 2023. Collection method: clinical testing. Allele origin: germline.

NM_025179.4(PLXNA2):c.602G>A (p.Arg201Gln)

Gene: PLXNA2 (plexin A2; minus strand). Cytogenetic location: 1q32.2.
Variant type: single nucleotide variant.
Coding change: c.602G>A on transcript NM_025179.4 (MANE Select); coding-DNA position 602, G replaced by A.
Protein change: p.Arg201Gln; replaces arginine 201 with glutamine.
Molecular consequence: missense variant.
Genome position (GRCh38, 1-based): chr1:208,217,321, C>T on the plus strand (G>A on the coding strand, the complement: PLXNA2 is on the minus strand). VCF-style: chr1-208217321-C-T. GRCh37 (hg19) VCF-style: chr1-208390666-C-T.
Other names: short protein forms R201Q.
Identifiers: ClinVar variation 3215547 (VCV003215547.2), dbSNP rs1398435180, ClinGen allele CA344559205.